The following is an entry in ClinVar:

NM_002578.5(PAK3):c.845T>C (p.Val282Ala)

Gene: PAK3 (p21 (RAC1) activated kinase 3; plus strand). Cytogenetic location: Xq23.
Variant type: single nucleotide variant.
Coding change: c.845T>C on transcript NM_002578.5 (MANE Select); coding-DNA position 845, T replaced by C.
Protein change: p.Val282Ala; replaces valine 282 with alanine.
Molecular consequence: missense variant. On other transcripts: non-coding transcript variant (2).
Genome position (GRCh38, 1-based): chrX:111,192,141, T>C. VCF-style: chrX-111192141-T-C. GRCh37 (hg19) VCF-style: chrX-110435369-T-C.
Other names: c.845T>C, p.Val282Ala (NM_001128166.3, NM_001128167.3, NM_001324325.2 and 5 more transcripts); c.953T>C, p.Val318Ala (NM_001128168.3); c.908T>C, p.Val303Ala (NM_001128172.2); c.890T>C, p.Val297Ala (NM_001128173.3, NM_001324327.2, NM_001324328.2 and 2 more transcripts); short protein forms V282A, V297A, V303A, V318A.
Identifiers: ClinVar variation 3359519 (VCV003359519.1).

ClinVar aggregate classification (germline): Uncertain significance (1 of 4 stars; one submission).

Submission:

GeneDx
Classification: Uncertain significance. Last evaluated: 2023-06-08. Review status: criteria provided, single submitter. Criteria: GeneDx Variant Classification Process June 2021. Collection method: clinical testing. Allele origin: germline. Affected: yes.
Comment: Not observed at significant frequency in large population cohorts (gnomAD); In silico analysis supports that this missense variant has a deleterious effect on protein structure/function; Has not been previously published as pathogenic or benign to our knowledge